The following is an entry in ClinVar:

NM_006904.7(PRKDC):c.7960A>C (p.Ser2654Arg)

Gene: PRKDC (protein kinase, DNA-activated, catalytic subunit; minus strand). Cytogenetic location: 8q11.21.
Variant type: single nucleotide variant.
Coding change: c.7960A>C on transcript NM_006904.7 (MANE Select); coding-DNA position 7960, A replaced by C.
Protein change: p.Ser2654Arg; replaces serine 2654 with arginine.
Molecular consequence: missense variant.
Genome position (GRCh38, 1-based): chr8:47,834,388, T>G on the plus strand (A>C on the coding strand, the complement: PRKDC is on the minus strand). VCF-style: chr8-47834388-T-G. GRCh37 (hg19) VCF-style: chr8-48746949-T-G.
Other names: c.7960A>C, p.Ser2654Arg (NM_001081640.2); short protein forms S2654R.
Identifiers: ClinVar variation 654970 (VCV000654970.9), dbSNP rs201377093, ClinGen allele CA4739968.

ClinVar aggregate classification (germline): Uncertain significance. Review status: criteria provided, multiple submitters, no conflicts (2 of 4 stars). 2 submissions from 2 submitters: Uncertain significance (2). Last evaluated 2023-11-28.

Conditions:
Severe combined immunodeficiency due to DNA-PKcs deficiency. Also called: IMMUNODEFICIENCY 26 WITH NEUROLOGIC ABNORMALITIES; Immunodeficiency 26 with or without neurologic abnormalities. Identifiers: Orphanet 317425, MedGen C4014833, MONDO:0014423, OMIM 615966.

Allele frequency attached by ClinVar (database versions not stated): gnomAD 0.00006 and 0.00007; gnomAD exomes 0.00006; ExAC 0.00007; TOPMed 0.00008.
gnomAD v4.1: 220 of 1,613,118 alleles (0.014%); highest among the groups gnomAD compares: Non-Finnish European, 0.018%; no homozygotes.

Submissions (2):

Blueprint Genetics
Classification: Uncertain significance. Last evaluated: 2023-11-28. Review status: criteria provided, single submitter. Criteria: ACMG Guidelines, 2015. Collection method: clinical testing. Allele origin: germline.

Labcorp Genetics (formerly Invitae), Labcorp
Classification: Uncertain significance for Severe combined immunodeficiency due to DNA-PKcs deficiency. Last evaluated: 2022-03-22. Review status: criteria provided, single submitter. Criteria: Invitae Variant Classification Sherloc (09022015). Collection method: clinical testing. Allele origin: germline.
Comment: This sequence change replaces serine, which is neutral and polar, with arginine, which is basic and polar, at codon 2654 of the PRKDC protein (p.Ser2654Arg). This variant is present in population databases (rs201377093, gnomAD 0.01%). This variant has not been reported in the literature in individuals affected with PRKDC-related conditions. ClinVar contains an entry for this variant (Variation ID: 654970). In summary, the available evidence is currently insufficient to determine the role of this variant in disease. Therefore, it has been classified as a Variant of Uncertain Significance.